The following is an entry in ClinVar:

NM_003072.5(SMARCA4):c.3790A>T (p.Thr1264Ser)

Gene: SMARCA4 (SWI/SNF related BAF chromatin remodeling complex subunit ATPase 4; plus strand). Cytogenetic location: 19p13.2.
Variant type: single nucleotide variant.
Coding change: c.3790A>T on transcript NM_003072.5 (MANE Select); coding-DNA position 3790, A replaced by T.
Protein change: p.Thr1264Ser; replaces threonine 1264 with serine.
Molecular consequence: missense variant. On other transcripts: intron variant (5).
Genome position (GRCh38, 1-based): chr19:11,033,782, A>T. VCF-style: chr19-11033782-A-T. GRCh37 (hg19) VCF-style: chr19-11144458-A-T.
Other names: c.3790A>T, p.Thr1264Ser (NM_001128844.3, NM_001128849.3, NM_001387283.1); c.3774+265A>T (NM_001128847.4, NM_001374457.1, NM_001128845.2 and 2 more transcripts); short protein forms T1264S.
Identifiers: ClinVar variation 1375192 (VCV001375192.8), dbSNP rs2075086877, ClinGen allele CA404066436.

ClinVar aggregate classification (germline): Uncertain significance (1 of 4 stars; one submission).

Conditions:
Rhabdoid tumor predisposition syndrome 2 (RTPS2). Identifiers: Orphanet 231108, Orphanet 69077, MedGen C2750074, MONDO:0013224, OMIM 613325.

Submission:

Labcorp Genetics (formerly Invitae), Labcorp
Classification: Uncertain significance for Rhabdoid tumor predisposition syndrome 2. Last evaluated: 2021-02-22. Review status: criteria provided, single submitter. Criteria: Invitae Variant Classification Sherloc (09022015). Collection method: clinical testing. Allele origin: germline.
Comment: This sequence change replaces threonine with serine at codon 1264 of the SMARCA4 protein (p.Thr1264Ser). The threonine residue is moderately conserved and there is a small physicochemical difference between threonine and serine. This variant is not present in population databases (ExAC no frequency). This variant has not been reported in the literature in individuals with SMARCA4-related conditions. Algorithms developed to predict the effect of missense changes on protein structure and function are either unavailable or do not agree on the potential impact of this missense change (SIFT: "Deleterious"; PolyPhen-2: "Benign"; Align-GVGD: "Class C0"). In summary, the available evidence is currently insufficient to determine the role of this variant in disease. Therefore, it has been classified as a Variant of Uncertain Significance.